The following is an entry in ClinVar:

ClinVar aggregate classification (germline): Likely benign. Review status: criteria provided, multiple submitters, no conflicts (2 of 4 stars). 2 submissions from 2 submitters: Likely benign (2). Last evaluated 2024-10-16.

Conditions:
TUB-related disorder. Also called: TUB-related condition.

gnomAD v4.1: 5 of 1,613,970 alleles (0.00031%); highest among the groups gnomAD compares: African/African-American, 0.0067%; no homozygotes.

Submissions (2):

PreventionGenetics, part of Exact Sciences
Classification: Likely benign for TUB-related condition. Last evaluated: 2024-10-16. Review status: criteria provided, single submitter. Criteria: ACMG Guidelines, 2015. Collection method: clinical testing. Allele origin: germline.
Comment: This variant is classified as likely benign based on ACMG/AMP sequence variant interpretation guidelines (Richards et al. 2015 PMID: 25741868, with internal and published modifications).

Blueprint Genetics
Classification: Likely benign. Last evaluated: 2022-04-25. Review status: criteria provided, single submitter. Criteria: ACMG Guidelines, 2015. Collection method: clinical testing. Allele origin: germline.

NM_177972.3(TUB):c.1086C>G (p.Thr362=)

Genes: RIC3 (RIC3 acetylcholine receptor chaperone; minus strand), TUB (TUB bipartite transcription factor; plus strand). Cytogenetic location: 11p15.4.
Variant type: single nucleotide variant.
Coding change: c.1086C>G on transcript NM_177972.3 (MANE Select); coding-DNA position 1086, C replaced by G.
Protein change: p.Thr362=; no amino-acid change (threonine 362 retained).
Molecular consequence: synonymous variant.
Genome position (GRCh38, 1-based): chr11:8,098,845, C>G. VCF-style: chr11-8098845-C-G. GRCh37 (hg19) VCF-style: chr11-8120392-C-G.
Other names: c.1104C>G, p.Thr368= (NM_001440538.1, NM_001440539.1); c.936C>G, p.Thr312= (NM_001440540.1, NM_001440542.1); c.918C>G, p.Thr306= (NM_001440541.1); c.1251C>G, p.Thr417= (NM_003320.5); c.1251C>G (NM_003320.4).
Identifiers: ClinVar variation 4910575 (VCV004910575.2).